The following is an entry in ClinVar:

NM_012154.5(AGO2):c.602G>T (p.Gly201Val)

Genes: AGO2 (argonaute RISC catalytic component 2; minus strand), LOC126860545 (MED14-independent group 3 enhancer GRCh37_chr8:141569579-141570778; plus strand). Cytogenetic location: 8q24.3.
Variant type: single nucleotide variant.
Coding change: c.602G>T on transcript NM_012154.5 (MANE Select); coding-DNA position 602, G replaced by T.
Protein change: p.Gly201Val; replaces glycine 201 with valine.
Molecular consequence: missense variant.
Genome position (GRCh38, 1-based): chr8:140,560,427, C>A on the plus strand (G>T on the coding strand, the complement: AGO2 is on the minus strand). VCF-style: chr8-140560427-C-A. GRCh37 (hg19) VCF-style: chr8-141570526-C-A.
Other names: p.(Gly201Val); c.602G>T, p.Gly201Val (NM_001164623.3); c.602G>T (NM_012154.3); short protein forms G201V.
Identifiers: ClinVar variation 1325742 (VCV001325742.3), dbSNP rs2132941125, ClinGen allele CA372323744.

ClinVar aggregate classification (germline): Pathogenic/Likely pathogenic. Review status: criteria provided, multiple submitters, no conflicts (2 of 4 stars). 2 submissions from 2 submitters: Pathogenic (1); Likely pathogenic (1). Last evaluated 2025-03-04.

Conditions:
Lessel-Kreienkamp syndrome. Identifiers: MedGen C5436892, MONDO:0030897, OMIM 619149.

Submissions (2):

Institute of Human Genetics, University of Leipzig Medical Center
Classification: Likely pathogenic for Lessel-Kreienkamp syndrome. Last evaluated: 2025-03-04. Review status: criteria provided, single submitter. Criteria: ACMG Guidelines, 2015. Collection method: clinical testing. Allele origin: de novo. Inheritance: Autosomal dominant inheritance. Affected: yes.
Comment: Criteria applied: PS2_MOD, PS4_MOD, PM2, PP2, PP3

GeneDx
Classification: Pathogenic. Last evaluated: 2023-06-22. Review status: criteria provided, single submitter. Criteria: GeneDx Variant Classification Process June 2021. Collection method: clinical testing. Allele origin: germline. Affected: yes.
Comment: Not observed at significant frequency in large population cohorts (gnomAD); In silico analysis supports that this missense variant has a deleterious effect on protein structure/function; This variant is associated with the following publications: (PMID: 28991257, 33199684, 32368696)